The following is an entry in ClinVar:

NM_000256.3(MYBPC3):c.865G>T (p.Asp289Tyr)

Gene: MYBPC3 (myosin binding protein C3; minus strand). Cytogenetic location: 11p11.2.
Variant type: single nucleotide variant.
Coding change: c.865G>T on transcript NM_000256.3 (MANE Select); coding-DNA position 865, G replaced by T.
Protein change: p.Asp289Tyr; replaces aspartic acid 289 with tyrosine.
Molecular consequence: missense variant.
Genome position (GRCh38, 1-based): chr11:47,347,466, C>A on the plus strand (G>T on the coding strand, the complement: MYBPC3 is on the minus strand). VCF-style: chr11-47347466-C-A. GRCh37 (hg19) VCF-style: chr11-47369017-C-A.
Other names: short protein forms D289Y.
Identifiers: ClinVar variation 3070382 (VCV003070382.1), dbSNP rs1239255991, ClinGen allele CA380333346.

ClinVar aggregate classification (germline): Uncertain significance (1 of 4 stars; one submission).

Conditions:
Hypertrophic cardiomyopathy. Also called: HYPERTROPHIC MYOCARDIOPATHY. Identifiers: Orphanet 217569, MedGen C0007194, MeSH D002312, MONDO:0005045, HP:0001639.

Submission:

All of Us Research Program, National Institutes of Health
Classification: Uncertain significance for Hypertrophic cardiomyopathy. Last evaluated: 2023-04-10. Review status: criteria provided, single submitter. Criteria: ACMG Guidelines, 2015. Collection method: clinical testing. Allele origin: germline. Inheritance: Autosomal dominant inheritance. Observed: 1 variant allele, 1 heterozygote.
Comment: This missense variant replaces aspartic acid with tyrosine at codon 289 of the MYBPC3 protein. Computational prediction suggests that this variant may not impact protein structure and function (internally defined REVEL score threshold <= 0.5, PMID: 27666373). To our knowledge, functional studies have not been reported for this variant. This variant has not been reported in individuals affected with MYBPC3-related disorders in the literature. This variant has not been identified in the general population by the Genome Aggregation Database (gnomAD). The available evidence is insufficient to determine the role of this variant in disease conclusively. Therefore, this variant is classified as a Variant of Uncertain Significance.

This study involves interpretation of variants in research participants for the purpose of population health screening. Participant phenotype was not available at the time of variant classification. Additional details can be found in publication PMID: 35346344, PMCID: PMC8962531